The following is an entry in ClinVar:

ClinVar aggregate classification (germline): Pathogenic. Review status: criteria provided, single submitter (1 of 4 stars). 3 submissions from 3 submitters: Pathogenic (1). 2 of the submissions do not count toward it. Last evaluated 2024-03-21.

Conditions:
Mitochondrial DNA depletion syndrome 1. Also called: POLIP SYNDROME; POLYNEUROPATHY, OPHTHALMOPLEGIA, LEUKOENCEPHALOPATHY, AND INTESTINAL PSEUDOOBSTRUCTION; Mitochondrial neurogastrointestinal encephalomyopathy syndrome; Mitochondrial DNA depletion syndrome 1 (MNGIE type); Mitochondrial Neurogastrointestinal Encephalopathy Disease; MITOCHONDRIAL NEUROGASTROINTESTINAL ENCEPHALOPATHY SYNDROME, TYMP-RELATED. Identifiers: Orphanet 298, MedGen C4551995, MONDO:0011283, OMIM 603041.

gnomAD v4.1: 1 of 1,613,182 alleles (0.000062%); highest among the groups gnomAD compares: Non-Finnish European, 0.000085%; no homozygotes.

Submissions (3):

Labcorp Genetics (formerly Invitae), Labcorp
Classification: Pathogenic. Last evaluated: 2024-03-21. Review status: criteria provided, single submitter. Criteria: Invitae Variant Classification Sherloc (09022015). Collection method: clinical testing. Allele origin: germline.
Comment: This sequence change replaces arginine, which is basic and polar, with glutamine, which is neutral and polar, at codon 44 of the TYMP protein (p.Arg44Gln). This variant is not present in population databases (gnomAD no frequency). This missense change has been observed in individual(s) with mitochondrial neurogastrointestinal encephalomyopathy (PMID: 12177387). It has also been observed to segregate with disease in related individuals. This variant is also known as G435A. ClinVar contains an entry for this variant (Variation ID: 16661). Algorithms developed to predict the effect of missense changes on protein structure and function output the following: SIFT: "Not Available"; PolyPhen-2: "Probably Damaging"; Align-GVGD: "Not Available". The glutamine amino acid residue is found in multiple mammalian species, which suggests that this missense change does not adversely affect protein function. For these reasons, this variant has been classified as Pathogenic.

GeneReviews
Classification: Pathogenic for Mitochondrial DNA depletion syndrome 1. Last evaluated: 2016-01-14. Review status: no assertion criteria provided. Collection method: literature only. Allele origin: germline. Affected: yes. Not counted in ClinVar's aggregate classification.

OMIM
Classification: Pathogenic for MITOCHONDRIAL DNA DEPLETION SYNDROME 1 (MNGIE TYPE). Last evaluated: 2002-08-13. Review status: no assertion criteria provided. Collection method: literature only. Allele origin: germline. Not counted in ClinVar's aggregate classification.

Literature cited by the submitters: PubMed 12177387 (cited by 3 submitters).

NM_001953.5(TYMP):c.131G>A (p.Arg44Gln)

Gene: TYMP (thymidine phosphorylase; minus strand). Cytogenetic location: 22q13.33.
Variant type: single nucleotide variant.
Coding change: c.131G>A on transcript NM_001953.5 (MANE Select); coding-DNA position 131, G replaced by A.
Protein change: p.Arg44Gln; replaces arginine 44 with glutamine.
Molecular consequence: missense variant.
Genome position (GRCh38, 1-based): chr22:50,529,579, C>T on the plus strand (G>A on the coding strand, the complement: TYMP is on the minus strand). VCF-style: chr22-50529579-C-T. GRCh37 (hg19) VCF-style: chr22-50968008-C-T.
Other names: Arg>Gln; c.131G>A, p.Arg44Gln (LRG_727t2, LRG_727t1, NM_001113755.3 and 3 more transcripts); short protein forms R44Q.
Identifiers: ClinVar variation 16661 (VCV000016661.5), dbSNP rs28931613, ClinGen allele CA126779.